The following is an entry in ClinVar:

ClinVar aggregate classification (germline): Uncertain significance (1 of 4 stars; one submission).

Allele frequency attached by ClinVar (database versions not stated): gnomAD 0.00001; TOPMed 0.00001; ExAC 0.00003.

Submission:

Labcorp Genetics (formerly Invitae), Labcorp
Classification: Uncertain significance. Last evaluated: 2022-02-20. Review status: criteria provided, single submitter. Criteria: Invitae Variant Classification Sherloc (09022015). Collection method: clinical testing. Allele origin: germline.
Comment: This sequence change affects codon 508 of the ARMC9 mRNA. It is a 'silent' change, meaning that it does not change the encoded amino acid sequence of the ARMC9 protein. This variant is present in population databases (rs767400789, gnomAD 0.004%). This variant has not been reported in the literature in individuals affected with ARMC9-related conditions. Algorithms developed to predict the effect of sequence changes on RNA splicing suggest that this variant may disrupt the consensus splice site. In summary, the available evidence is currently insufficient to determine the role of this variant in disease. Therefore, it has been classified as a Variant of Uncertain Significance.

NM_001352754.2(ARMC9):c.1524G>A (p.Ser508=)

Gene: ARMC9 (armadillo repeat containing 9; plus strand). Cytogenetic location: 2q37.1.
Variant type: single nucleotide variant.
Coding change: c.1524G>A on transcript NM_001352754.2 (MANE Select); coding-DNA position 1524, G replaced by A.
Protein change: p.Ser508=; no amino-acid change (serine 508 retained).
Molecular consequence: synonymous variant. On other transcripts: non-coding transcript variant (1).
Genome position (GRCh38, 1-based): chr2:231,278,431, G>A. VCF-style: chr2-231278431-G-A. GRCh37 (hg19) VCF-style: chr2-232143144-G-A.
Other names: c.1524G>A, p.Ser508= (NM_001271466.4, NM_001291656.2, NM_001352755.2 and 3 more transcripts); c.1425G>A, p.Ser475= (NM_001352757.2, NM_001352758.2).
Identifiers: ClinVar variation 1947188 (VCV001947188.2), dbSNP rs767400789, ClinGen allele CA2160365.